The following is an entry in ClinVar:

ClinVar aggregate classification (germline): Uncertain significance. Review status: criteria provided, multiple submitters, no conflicts (2 of 4 stars). 2 submissions from 2 submitters: Uncertain significance (2). Last evaluated 2025-08-29.

Conditions:
DHCR7-related disorder. Also called: DHCR7-related condition.
Inborn genetic diseases. Identifiers: MedGen C0950123, MeSH D030342.

gnomAD v4.1: 3 of 1,613,236 alleles (0.00019%); highest among the groups gnomAD compares: South Asian, 0.0033%; no homozygotes.

Submissions (2):

PreventionGenetics, part of Exact Sciences
Classification: Uncertain significance for DHCR7-related condition. Last evaluated: 2025-08-29. Review status: criteria provided, single submitter. Criteria: ACMG Guidelines, 2015. Collection method: clinical testing. Allele origin: germline.
Comment: The DHCR7 c.1114G>T variant is predicted to result in the amino acid substitution p.Gly372Cys. To our knowledge, this variant has not been reported in the literature. This variant is reported in 0.0065% of alleles in individuals of South Asian descent in gnomAD. At this time, the clinical significance of this variant is uncertain due to the absence of conclusive functional and genetic evidence.

Ambry Genetics
Classification: Uncertain significance for Inborn genetic diseases. Last evaluated: 2024-03-26. Review status: criteria provided, single submitter. Criteria: Ambry Variant Classification Scheme 2023. Collection method: clinical testing. Allele origin: germline.
Comment: The c.1114G>T (p.G372C) alteration is located in exon 9 (coding exon 7) of the DHCR7 gene. This alteration results from a G to T substitution at nucleotide position 1114, causing the glycine (G) at amino acid position 372 to be replaced by a cysteine (C). Based on data from gnomAD, the T allele has an overall frequency of 0.001% (2/248786) total alleles studied. The highest observed frequency was 0.007% (2/30610) of South Asian alleles. This amino acid position is highly conserved in available vertebrate species. This alteration is predicted to be deleterious by in silico analysis. Based on insufficient or conflicting evidence, the clinical significance of this alteration remains unclear.

NM_001360.3(DHCR7):c.1114G>T (p.Gly372Cys)

Gene: DHCR7 (7-dehydrocholesterol reductase; minus strand). Cytogenetic location: 11q13.4.
Variant type: single nucleotide variant.
Coding change: c.1114G>T on transcript NM_001360.3 (MANE Select); coding-DNA position 1114, G replaced by T.
Protein change: p.Gly372Cys; replaces glycine 372 with cysteine.
Molecular consequence: missense variant.
Genome position (GRCh38, 1-based): chr11:71,435,689, C>A on the plus strand (G>T on the coding strand, the complement: DHCR7 is on the minus strand). VCF-style: chr11-71435689-C-A. GRCh37 (hg19) VCF-style: chr11-71146735-C-A.
Other names: c.1114G>T, p.Gly372Cys (NM_001163817.2); short protein forms G372C.
Identifiers: ClinVar variation 3271769 (VCV003271769.2).